The following is an entry in ClinVar:

NM_000282.4(PCCA):c.775_779del (p.Leu259fs)

Gene: PCCA (propionyl-CoA carboxylase subunit alpha; plus strand). Cytogenetic location: 13q32.3.
Variant type: Deletion.
Coding change: c.775_779del on transcript NM_000282.4 (MANE Select); coding-DNA positions 775 to 779, 5 bases deleted (CTAAT; older notation c.775_779delCTAAT).
Protein change: p.Leu259fs; shifts the reading frame from leucine 259.
Molecular consequence: frameshift variant. On other transcripts: 5 prime UTR variant (3), non-coding transcript variant (5).
Genome position (GRCh38, 1-based): chr13:100,262,787-100,262,791, CTAAT deleted. VCF-style (leftmost placement, unchanged base first): chr13-100262786-ACTAAT-A. GRCh37 (hg19) VCF-style: chr13-100915040-ACTAAT-A.
Other names: c.775_779del5 (NM_000282.3); c.697_701del, p.Leu233fs (NM_001127692.3, NM_001352607.2, NM_001352608.2); c.775_779del, p.Leu259fs (NM_001178004.2, NM_001352605.2, NM_001352606.2 and 1 more transcripts); c.-171_-167del (NM_001352610.2, NM_001352611.2, NM_001352612.2); short protein forms L233fs, L259fs.
Identifiers: ClinVar variation 193576 (VCV000193576.13), dbSNP rs794726976, ClinGen allele CA278498.

ClinVar aggregate classification (germline): Pathogenic/Likely pathogenic. Review status: criteria provided, multiple submitters, no conflicts (2 of 4 stars). 6 submissions from 6 submitters: Pathogenic (3); Likely pathogenic (2). 1 of the submissions does not count toward it. Last evaluated 2025-12-17.

Conditions:
Propionic acidemia (PROP). Also called: GLYCINEMIA, KETOTIC; HYPERGLYCINEMIA WITH KETOACIDOSIS AND LEUKOPENIA; KETOTIC HYPERGLYCINEMIA. Identifiers: Orphanet 35, MedGen C0268579, MONDO:0011628, OMIM 606054, HP:0003571.

Allele frequency attached by ClinVar (database versions not stated): gnomAD exomes 0.00001; gnomAD 0.00002; TOPMed 0.00003.

Submissions (6):

Natera, Inc.
Classification: Likely pathogenic for Propionic acidemia. Last evaluated: 2025-12-17. Review status: criteria provided, single submitter. Criteria: Natera Variant Classification Schema (03/2026). Collection method: clinical testing. Allele origin: germline.
Comment: The c.775_779delCTAAT variant in PCCA is a frameshift variant predicted to shift the reading frame beginning at codon 259 and leads to a stop codon 5 codons downstream. This variant is expected to result in nonsense mediated decay, truncation, or a dysfunctional protein product. This variant is rare in the general population with a frequency below the threshold expected for the associated phenotype(s). Given the available evidence, this variant is classified as Likely Pathogenic.

Labcorp Genetics (formerly Invitae), Labcorp
Classification: Pathogenic for Propionic acidemia. Last evaluated: 2025-11-17. Review status: criteria provided, single submitter. Criteria: Invitae Variant Classification Sherloc (09022015). Collection method: clinical testing. Allele origin: germline.
Comment: This sequence change creates a premature translational stop signal (p.Leu259Argfs*5) in the PCCA gene. It is expected to result in an absent or disrupted protein product. Loss-of-function variants in PCCA are known to be pathogenic (PMID: 15464417). This variant is not present in population databases (gnomAD no frequency). This premature translational stop signal has been observed in individual(s) with propionic acidemia (PMID: 9887338). This variant is also known as 700del5. ClinVar contains an entry for this variant (Variation ID: 193576). For these reasons, this variant has been classified as Pathogenic.

Baylor Genetics
Classification: Pathogenic for Propionic acidemia. Last evaluated: 2023-08-01. Review status: criteria provided, single submitter. Criteria: ACMG Guidelines, 2015. Collection method: clinical testing. Allele origin: unknown.

Women's Health and Genetics/Laboratory Corporation of America, LabCorp
Classification: Likely pathogenic for Propionic acidemia. Last evaluated: 2023-02-19. Review status: criteria provided, single submitter. Criteria: LabCorp Variant Classification Summary - May 2015. Collection method: clinical testing. Allele origin: germline.
Comment: Variant summary: PCCA c.775_779delCTAAT (p.Leu259ArgfsX5) results in a premature termination codon, predicted to cause a truncation of the encoded protein or absence of the protein due to nonsense mediated decay, which are commonly known mechanisms for disease. Truncations downstream of this position have been classified as pathogenic by our laboratory. The variant was absent in 250320 control chromosomes (gnomAD). c.775_779delCTAAT has been reported in the literature in an individual affected with Propionic Acidemia (Campeau_1999). To our knowledge, no experimental evidence demonstrating an impact on protein function has been reported. Two clinical diagnostic laboratories have submitted clinical-significance assessments for this variant to ClinVar after 2014 and classified the variant as pathogenic/likely pathogenic. Based on the evidence outlined above, the variant was classified as likely pathogenic.

Eurofins Ntd Llc (ga)
Classification: Pathogenic. Last evaluated: 2014-12-02. Review status: criteria provided, single submitter. Criteria: EGL Classification Definitions 2015. Collection method: clinical testing. Allele origin: germline. Observed: 1 variant allele, 1 heterozygote.

Counsyl
Classification: Likely pathogenic for Propionic acidemia. Last evaluated: 2018-02-21. Review status: no assertion criteria provided. Collection method: clinical testing. Allele origin: unknown. Not counted in ClinVar's aggregate classification.

Literature cited by the submitters: PubMed 15464417 (cited by Labcorp Genetics (formerly Invitae), Labcorp); PubMed 9887338 (cited by 3 submitters).